The following is an entry in ClinVar:

NM_000188.3(HK1):c.2007G>A (p.Glu669=)

Gene: HK1 (hexokinase 1; plus strand). Cytogenetic location: 10q22.1.
Variant type: single nucleotide variant.
Coding change: c.2007G>A on transcript NM_000188.3 (MANE Select); coding-DNA position 2007, G replaced by A.
Protein change: p.Glu669=; no amino-acid change (glutamic acid 669 retained).
Molecular consequence: synonymous variant.
Genome position (GRCh38, 1-based): chr10:69,389,268, G>A. VCF-style: chr10-69389268-G-A. GRCh37 (hg19) VCF-style: chr10-71149024-G-A.
Other names: p.Glu668=; c.2019G>A, p.Glu673= (NM_001322364.2, NM_001358263.1, NM_033497.3 and 1 more transcripts); c.2112G>A, p.Glu704= (NM_001322365.2); c.1923G>A, p.Glu641= (NM_001322366.1); c.1911G>A, p.Glu637= (NM_001322367.1); c.2004G>A, p.Glu668= (NM_033496.3); c.1971G>A, p.Glu657= (NM_033500.2); c.2004G>A (NM_033496.2).
Identifiers: ClinVar variation 744437 (VCV000744437.41), dbSNP rs117797901, ClinGen allele CA5532748.
Genomic context (GRCh38, chr10:69,389,268, plus strand): 5'-GGACGTGGTGGCTGTGGTCAACGACACAGTGGGCACCATGATGACCTGTGCTTATGAGGA[G>A]CCCACCTGTGAGGTTGGACTCATTGTTGGTGAGTGTCCTGGAAGGTCTCTTTCCCTGCAG-3'
Protein context (NP_000179.2, residues 659-679): VGTMMTCAYE[Glu669=]PTCEVGLIVG

ClinVar aggregate classification (germline): Benign/Likely benign. Review status: criteria provided, multiple submitters, no conflicts (2 of 4 stars). 9 submissions from 9 submitters: Benign (5); Likely benign (1). 3 of the submissions do not count toward it. Last evaluated 2025-12-15.

Conditions:
Retinal dystrophy. Also called: Inherited retinal dystrophy. Identifiers: Orphanet 71862, MedGen C0854723, MeSH D058499, MONDO:0019118, HP:0000556.

Allele frequency attached by ClinVar (database versions not stated): ESP Exome Variant Server 0.00015; TOPMed 0.00095; gnomAD exomes 0.00186 and 0.00348; 1000 Genomes Project 30x 0.00344; ExAC 0.00430; 1000 Genomes Project 0.00439; gnomAD 0.00468.
gnomAD v4.1: 3,121 of 1,612,550 alleles (0.19%); highest among the groups gnomAD compares: East Asian, 2.4%; 53 homozygotes.

Submissions (9):

Labcorp Genetics (formerly Invitae), Labcorp
Classification: Benign. Last evaluated: 2025-12-15. Review status: criteria provided, single submitter. Criteria: Invitae Variant Classification Sherloc (09022015). Collection method: clinical testing. Allele origin: germline.

ARUP Laboratories, Molecular Genetics and Genomics, ARUP Laboratories
Classification: Benign. Last evaluated: 2025-01-24. Review status: criteria provided, single submitter. Criteria: ARUP Molecular Germline Variant Investigation Process 2024. Collection method: clinical testing. Allele origin: germline.

Mayo Clinic Laboratories, Mayo Clinic
Classification: Likely benign. Last evaluated: 2024-12-10. Review status: criteria provided, single submitter. Criteria: ACMG Guidelines, 2015. Collection method: clinical testing. Allele origin: germline. Observed: 7 variant alleles.

Dept Of Ophthalmology, Nagoya University
Classification: Benign for Retinal dystrophy. Last evaluated: 2023-10-01. Review status: criteria provided, single submitter. Criteria: Submitter's publication. Collection method: research. Allele origin: germline. Affected: yes.

CeGaT Center for Human Genetics Tuebingen
Classification: Benign. Last evaluated: 2023-04-01. Review status: criteria provided, single submitter. Criteria: CeGaT Center For Human Genetics Tuebingen Variant Classification Criteria Version 2. Collection method: clinical testing. Allele origin: germline. Affected: yes. Observed: 1 variant allele.
Comment: HK1: BP4, BP7, BS1, BS2

Breakthrough Genomics
Classification: Benign. Review status: criteria provided, single submitter. Criteria: ACMG Guidelines, 2015. Collection method: not provided. Allele origin: germline. Inheritance: Autosomal recessive inheritance. Affected: yes.

Clinical Genetics DNA and cytogenetics Diagnostics Lab, Erasmus MC, Erasmus Medical Center
Classification: Benign. Review status: no assertion criteria provided. Collection method: clinical testing. Allele origin: germline. Affected: yes. Study: VKGL Data-share Consensus. Not counted in ClinVar's aggregate classification.

Clinical Genetics, Academic Medical Center
Classification: Benign. Review status: no assertion criteria provided. Collection method: clinical testing. Allele origin: germline. Affected: yes. Study: VKGL Data-share Consensus. Not counted in ClinVar's aggregate classification.

Genome Diagnostics Laboratory, University Medical Center Utrecht
Classification: Likely benign. Review status: no assertion criteria provided. Collection method: clinical testing. Allele origin: germline. Affected: yes. Study: VKGL Data-share Consensus. Not counted in ClinVar's aggregate classification.